The following is an entry in ClinVar:

NM_005228.5(EGFR):c.2192G>T (p.Trp731Leu)

Gene: EGFR (epidermal growth factor receptor; plus strand). Cytogenetic location: 7p11.2.
Variant type: single nucleotide variant.
Coding change: c.2192G>T on transcript NM_005228.5 (MANE Select); coding-DNA position 2192, G replaced by T.
Protein change: p.Trp731Leu; replaces tryptophan 731 with leucine.
Molecular consequence: missense variant.
Genome position (GRCh38, 1-based): chr7:55,174,729, G>T. VCF-style: chr7-55174729-G-T. GRCh37 (hg19) VCF-style: chr7-55242422-G-T.
Other names: NC_000007.13:g.55242422G>T; c.2057G>T, p.Trp686Leu (NM_001346897.2, NM_001346899.2); c.2192G>T, p.Trp731Leu (NM_001346898.2); c.2033G>T, p.Trp678Leu (NM_001346900.2); c.1391G>T, p.Trp464Leu (NM_001346941.2); short protein forms W464L, W678L, W686L, W731L.
Identifiers: ClinVar variation 3572243 (VCV003572243.4).

ClinVar aggregate classification (germline): Conflicting classifications of pathogenicity. Review status: criteria provided, conflicting classifications (1 of 4 stars). 3 submissions from 3 submitters: Uncertain significance (2); Likely benign (1). Last evaluated 2025-03-27.

Conditions:
Hereditary cancer-predisposing syndrome. Also called: Hereditary Cancer Syndrome; Hereditary neoplastic syndrome; Tumor predisposition; Neoplastic Syndromes, Hereditary. Identifiers: Orphanet 140162, MedGen C0027672, MeSH D009386, MONDO:0015356.
Lung cancer. Also called: Lung cancer, somatic; Malignant tumor of lung. Identifiers: MedGen C0242379, MONDO:0008903, OMIM 211980.

gnomAD v4.1: 20 of 1,613,534 alleles (0.0012%); highest among the groups gnomAD compares: Non-Finnish European, 0.0017%; no homozygotes.

Submissions (4):

Ambry Genetics
Classification: Uncertain significance for Hereditary cancer-predisposing syndrome. Last evaluated: 2025-03-27. Review status: criteria provided, single submitter. Criteria: Ambry Variant Classification Scheme 2023. Collection method: clinical testing. Allele origin: germline.
Comment: The p.W731L variant (also known as c.2192G>T), located in coding exon 19 of the EGFR gene, results from a G to T substitution at nucleotide position 2192. The tryptophan at codon 731 is replaced by leucine, an amino acid with similar properties. This amino acid position is highly conserved in available vertebrate species. In addition, this alteration is predicted to be deleterious by in silico analysis. Based on the available evidence, the clinical significance of this variant remains unclear.

Myriad Genetics, Inc.
Classification: Likely benign for Lung cancer. Last evaluated: 2024-10-16. Review status: criteria provided, single submitter. Criteria: Myriad Autosomal Dominant, Autosomal Recessive and X-Linked Classification Criteria (2023). Collection method: clinical testing. Allele origin: unknown.
Comment: This variant is considered likely benign. This variant has been observed at a population frequency that is significantly greater than expected given the associated disease prevalence and penetrance.

Quest Diagnostics Nichols Institute San Juan Capistrano
Classification: Uncertain significance. Last evaluated: 2024-02-24. Review status: criteria provided, single submitter. Criteria: Quest Diagnostics criteria. Collection method: clinical testing. Allele origin: unknown.
Comment: The EGFR c.2192G>T (p.Trp731Leu) variant has been reported in the published literature as a somatic variant in a non-small cell lung cancer specimen (PMID: 37769218 (2023)). The frequency of this variant in the general population, 0.000026 (3/113758 chromosomes (Genome Aggregation Database)), is uninformative in the assessment of its pathogenicity. Analysis of this variant using bioinformatics tools for the prediction of the effect of amino acid changes on protein structure and function yielded predictions that this variant is damaging. Based on the available information, we are unable to determine the clinical significance of this variant.

Dr. Peter K. Rogan Lab, Western University
No classification provided (evidence only). Condition: Malignant tumor of esophagus. Review status: no classification provided. Collection method: in vitro. Allele origin: not applicable. Functional consequence: retained intron. Not counted in ClinVar's aggregate classification.

Literature cited by the submitters: PubMed 37769218 (cited by Quest Diagnostics Nichols Institute San Juan Capistrano).